The following is an entry in ClinVar:

NM_030665.4(RAI1):c.4433G>A (p.Arg1478Gln)

Gene: RAI1 (retinoic acid induced 1; plus strand). Cytogenetic location: 17p11.2.
Variant type: single nucleotide variant.
Coding change: c.4433G>A on transcript NM_030665.4 (MANE Select); coding-DNA position 4433, G replaced by A.
Protein change: p.Arg1478Gln; replaces arginine 1478 with glutamine.
Molecular consequence: missense variant.
Genome position (GRCh38, 1-based): chr17:17,797,381, G>A. VCF-style: chr17-17797381-G-A. GRCh37 (hg19) VCF-style: chr17-17700695-G-A.
Other names: short protein forms R1478Q.
Identifiers: ClinVar variation 588905 (VCV000588905.9), dbSNP rs756706495, ClinGen allele CA8418963.

ClinVar aggregate classification (germline): Uncertain significance. Review status: criteria provided, multiple submitters, no conflicts (2 of 4 stars). 3 submissions from 3 submitters: Uncertain significance (3). Last evaluated 2026-04-28.

Conditions:
Inborn genetic diseases. Identifiers: MedGen C0950123, MeSH D030342.
RAI1-related disorder. Also called: RAI1-related condition.

Allele frequency attached by ClinVar (database versions not stated): ExAC 0.00003; gnomAD 0.00001; gnomAD exomes 0.00001; TOPMed 0.00001.
gnomAD v4.1: 13 of 1,612,710 alleles (0.00081%); highest among the groups gnomAD compares: East Asian, 0.0022%; no homozygotes.

Submissions (3):

PreventionGenetics, part of Exact Sciences
Classification: Uncertain significance for RAI1-related condition. Last evaluated: 2026-04-28. Review status: criteria provided, single submitter. Criteria: ACMG Guidelines, 2015. Collection method: clinical testing. Allele origin: germline.
Comment: The RAI1 c.4433G>A variant is predicted to result in the amino acid substitution p.Arg1478Gln. To our knowledge, this variant has not been reported in the literature. This variant is reported in 0.010% of alleles in individuals of East Asian descent in gnomAD. Although we suspect that this variant may be benign, at this time, the clinical significance of this variant is uncertain due to the absence of conclusive functional and genetic evidence.

Labcorp Genetics (formerly Invitae), Labcorp
Classification: Uncertain significance. Last evaluated: 2025-04-28. Review status: criteria provided, single submitter. Criteria: Invitae Variant Classification Sherloc (09022015). Collection method: clinical testing. Allele origin: germline.
Comment: This sequence change replaces arginine, which is basic and polar, with glutamine, which is neutral and polar, at codon 1478 of the RAI1 protein (p.Arg1478Gln). This variant is present in population databases (rs756706495, gnomAD 0.01%). This variant has not been reported in the literature in individuals affected with RAI1-related conditions. ClinVar contains an entry for this variant (Variation ID: 588905). Invitae Evidence Modeling of protein sequence and biophysical properties (such as structural, functional, and spatial information, amino acid conservation, physicochemical variation, residue mobility, and thermodynamic stability) indicates that this missense variant is not expected to disrupt RAI1 protein function with a negative predictive value of 80%. In summary, the available evidence is currently insufficient to determine the role of this variant in disease. Therefore, it has been classified as a Variant of Uncertain Significance.

Ambry Genetics
Classification: Uncertain significance for Inborn genetic diseases. Last evaluated: 2017-03-29. Review status: criteria provided, single submitter. Criteria: Ambry Variant Classification Scheme 2023. Collection method: clinical testing. Allele origin: germline.
Comment: The p.R1478Q variant (also known as c.4433G>A), located in coding exon 1 of the RAI1 gene, results from a G to A substitution at nucleotide position 4433. The arginine at codon 1478 is replaced by glutamine, an amino acid with highly similar properties. This amino acid position is well conserved in available vertebrate species. In addition, this alteration is predicted to be tolerated by in silico analysis. Since supporting evidence is limited at this time, the clinical significance of this alteration remains unclear.